The following is an entry in ClinVar:

NM_001365480.1(CCDC88A):c.1949A>C (p.Asn650Thr)

Gene: CCDC88A (coiled-coil domain containing 88A; minus strand). Cytogenetic location: 2p16.1.
Variant type: single nucleotide variant.
Coding change: c.1949A>C on transcript NM_001365480.1 (MANE Select); coding-DNA position 1949, A replaced by C.
Protein change: p.Asn650Thr; replaces asparagine 650 with threonine.
Molecular consequence: missense variant.
Genome position (GRCh38, 1-based): chr2:55,334,872, T>G on the plus strand (A>C on the coding strand, the complement: CCDC88A is on the minus strand). VCF-style: chr2-55334872-T-G. GRCh37 (hg19) VCF-style: chr2-55562008-T-G.
Other names: c.1949A>C, p.Asn650Thr (NM_001135597.2, NM_001254943.2, NM_018084.5); short protein forms N650T.
Identifiers: ClinVar variation 1483253 (VCV001483253.5), dbSNP rs367733782, ClinGen allele CA346901441.

ClinVar aggregate classification (germline): Uncertain significance (1 of 4 stars; one submission).

Submission:

Labcorp Genetics (formerly Invitae), Labcorp
Classification: Uncertain significance. Last evaluated: 2022-09-17. Review status: criteria provided, single submitter. Criteria: Invitae Variant Classification Sherloc (09022015). Collection method: clinical testing. Allele origin: germline.
Comment: This sequence change replaces asparagine, which is neutral and polar, with threonine, which is neutral and polar, at codon 650 of the CCDC88A protein (p.Asn650Thr). This variant is not present in population databases (gnomAD no frequency). This variant has not been reported in the literature in individuals affected with CCDC88A-related conditions. ClinVar contains an entry for this variant (Variation ID: 1483253). Algorithms developed to predict the effect of missense changes on protein structure and function are either unavailable or do not agree on the potential impact of this missense change (SIFT: "Deleterious"; PolyPhen-2: "Benign"; Align-GVGD: "Class C0"). In summary, the available evidence is currently insufficient to determine the role of this variant in disease. Therefore, it has been classified as a Variant of Uncertain Significance.